The following is an entry in ClinVar:

NM_000059.4(BRCA2):c.5309C>G (p.Ser1770Cys)

Gene: BRCA2 (BRCA2 DNA repair associated; plus strand). Cytogenetic location: 13q13.1.
Variant type: single nucleotide variant.
Coding change: c.5309C>G on transcript NM_000059.4 (MANE Select); coding-DNA position 5309, C replaced by G.
Protein change: p.Ser1770Cys; replaces serine 1770 with cysteine.
Molecular consequence: missense variant.
Genome position (GRCh38, 1-based): chr13:32,339,664, C>G. VCF-style: chr13-32339664-C-G. GRCh37 (hg19) VCF-style: chr13-32913801-C-G.
Other names: short protein forms S1770C.
Identifiers: ClinVar variation 850790 (VCV000850790.12), dbSNP rs2072526480, ClinGen allele CA387784859.

ClinVar aggregate classification (germline): Conflicting classifications of pathogenicity. Review status: criteria provided, conflicting classifications (1 of 4 stars). 3 submissions from 3 submitters: Uncertain significance (2); Likely benign (1). Last evaluated 2025-04-05.

Conditions:
Hereditary breast ovarian cancer syndrome. Also called: Hereditary breast and ovarian cancer syndrome; Breast and ovarian cancer; Hereditary breast and/or ovarian cancer syndrome; Hereditary breast and ovarian cancer; BRCA1- and BRCA2-Associated Hereditary Breast and Ovarian Cancer; Hereditary breast and ovarian cancer syndrome (HBOC). Identifiers: Orphanet 145, MedGen C0677776, MeSH D061325, MONDO:0003582. Disease mechanism: loss of function.
Hereditary cancer-predisposing syndrome. Also called: Tumor predisposition; Neoplastic Syndromes, Hereditary; Hereditary neoplastic syndrome; Hereditary Cancer Syndrome. Identifiers: Orphanet 140162, MedGen C0027672, MeSH D009386, MONDO:0015356.

Allele frequency attached by ClinVar (database versions not stated): gnomAD 0.00001.
gnomAD v4.1: 1 of 1,612,170 alleles (0.000062%); highest among the groups gnomAD compares: African/African-American, 0.0013%; no homozygotes.

Submissions (3):

GeneDx
Classification: Uncertain significance. Last evaluated: 2025-04-05. Review status: criteria provided, single submitter. Criteria: GeneDx Variant Classification Process June 2021. Collection method: clinical testing. Allele origin: germline. Affected: yes.
Comment: Not observed at significant frequency in large population cohorts (gnomAD); In silico analysis supports that this missense variant has a deleterious effect on protein structure/function; Has not been previously published as pathogenic or benign to our knowledge; Also known as

Labcorp Genetics (formerly Invitae), Labcorp
Classification: Uncertain significance for Hereditary breast ovarian cancer syndrome. Last evaluated: 2024-03-06. Review status: criteria provided, single submitter. Criteria: Invitae Variant Classification Sherloc (09022015). Collection method: clinical testing. Allele origin: germline.
Comment: This sequence change replaces serine, which is neutral and polar, with cysteine, which is neutral and slightly polar, at codon 1770 of the BRCA2 protein (p.Ser1770Cys). This variant is not present in population databases (gnomAD no frequency). This variant has not been reported in the literature in individuals affected with BRCA2-related conditions. ClinVar contains an entry for this variant (Variation ID: 850790). Advanced modeling of protein sequence and biophysical properties (such as structural, functional, and spatial information, amino acid conservation, physicochemical variation, residue mobility, and thermodynamic stability) performed at Invitae indicates that this missense variant is not expected to disrupt BRCA2 protein function with a negative predictive value of 95%. In summary, the available evidence is currently insufficient to determine the role of this variant in disease. Therefore, it has been classified as a Variant of Uncertain Significance.

University of Washington Department of Laboratory Medicine, University of Washington
Classification: Likely benign for Hereditary cancer-predisposing syndrome. Last evaluated: 2023-03-23. Review status: criteria provided, single submitter. Criteria: Dines et al. (Genet Med. 2020). Collection method: curation. Allele origin: germline.
Comment: Missense variant in a coldspot region where missense variants are very unlikely to be pathogenic (PMID:31911673).

BRCA2 exon 11 coldspot. Reclassification based on statistical prior probability.